The following is an entry in ClinVar:

NM_000388.4(CASR):c.1027G>A (p.Val343Ile)

Gene: CASR (calcium sensing receptor; plus strand). Cytogenetic location: 3q21.1.
Variant type: single nucleotide variant.
Coding change: c.1027G>A on transcript NM_000388.4 (MANE Select); coding-DNA position 1027, G replaced by A.
Protein change: p.Val343Ile; replaces valine 343 with isoleucine.
Molecular consequence: missense variant.
Genome position (GRCh38, 1-based): chr3:122,262,062, G>A. VCF-style: chr3-122262062-G-A. GRCh37 (hg19) VCF-style: chr3-121980909-G-A.
Other names: c.1027G>A, p.Val343Ile (NM_001178065.2); short protein forms V343I.
Identifiers: ClinVar variation 578271 (VCV000578271.10), dbSNP rs767003690, ClinGen allele CA2569580.
Genomic context (GRCh38, chr3:122,262,062, plus strand): 5'-AAGGCTGGGCAGATCCCAGGCTTCCGGGAATTCCTGAAGAAGGTCCATCCCAGGAAGTCT[G>A]TCCACAATGGTTTTGCCAAGGAGTTTTGGGAAGAAACATTTAACTGCCACCTCCAAGAAG-3'
Protein context (NP_000379.3, residues 333-353): FLKKVHPRKS[Val343Ile]HNGFAKEFWE

ClinVar aggregate classification (germline): Uncertain significance. Review status: criteria provided, multiple submitters, no conflicts (2 of 4 stars). 2 submissions from 2 submitters: Uncertain significance (2). Last evaluated 2023-12-23.

Conditions:
Familial hypocalciuric hypercalcemia (FHH). Also called: Familial benign hypercalcemia. Identifiers: Orphanet 405, MedGen C1809471, MONDO:0018458.
Autosomal dominant hypocalcemia 1 (HYPOC1). Also called: HYPOCALCEMIA, FAMILIAL. Identifiers: MedGen C3715128, MONDO:0011013, OMIM 601198.
Nephrolithiasis/nephrocalcinosis. Identifiers: MedGen CN580796.

Allele frequency attached by ClinVar (database versions not stated): gnomAD exomes below 0.00001 and 0.00001; ExAC 0.00002.
gnomAD v4.1: 7 of 1,614,216 alleles (0.00043%); highest among the groups gnomAD compares: Non-Finnish European, 0.00059%; no homozygotes.

Submissions (2):

Ambry Genetics
Classification: Uncertain significance for Nephrolithiasis/nephrocalcinosis. Last evaluated: 2023-12-23. Review status: criteria provided, single submitter. Criteria: Ambry Variant Classification Scheme 2023. Collection method: clinical testing. Allele origin: germline.
Comment: The p.V343I variant (also known as c.1027G>A), located in coding exon 3 of the CASR gene, results from a G to A substitution at nucleotide position 1027. The valine at codon 343 is replaced by isoleucine, an amino acid with highly similar properties. This amino acid position is conserved. In addition, this alteration is predicted to be tolerated by in silico analysis. Since supporting evidence is limited at this time, the clinical significance of this alteration remains unclear.

Labcorp Genetics (formerly Invitae), Labcorp
Classification: Uncertain significance for Familial hypocalciuric hypercalcemia; Autosomal dominant hypocalcemia 1. Last evaluated: 2022-11-11. Review status: criteria provided, single submitter. Criteria: Invitae Variant Classification Sherloc (09022015). Collection method: clinical testing. Allele origin: germline.
Comment: This sequence change replaces valine, which is neutral and non-polar, with isoleucine, which is neutral and non-polar, at codon 343 of the CASR protein (p.Val343Ile). ClinVar contains an entry for this variant (Variation ID: 578271). Algorithms developed to predict the effect of missense changes on protein structure and function output the following: SIFT: "Tolerated"; PolyPhen-2: "Benign"; Align-GVGD: "Class C0". The isoleucine amino acid residue is found in multiple mammalian species, which suggests that this missense change does not adversely affect protein function. In summary, the available evidence is currently insufficient to determine the role of this variant in disease. Therefore, it has been classified as a Variant of Uncertain Significance. This variant is present in population databases (rs767003690, gnomAD 0.003%). This variant has not been reported in the literature in individuals affected with CASR-related conditions.